The following is an entry in ClinVar:

NM_001267550.2(TTN):c.98990-8T>C

Genes: TTN (titin; minus strand), TTN-AS1 (TTN antisense RNA 1; plus strand). Cytogenetic location: 2q31.2.
Variant type: single nucleotide variant.
Coding change: c.98990-8T>C on transcript NM_001267550.2 (MANE Select); 8 bases into the intron before coding-DNA position 98990, T replaced by C.
Molecular consequence: intron variant. On other transcripts: non-coding transcript variant (1).
Genome position (GRCh38, 1-based): chr2:178,538,847, A>G on the plus strand (T>C on the coding strand, the complement: TTN is on the minus strand). VCF-style: chr2-178538847-A-G. GRCh37 (hg19) VCF-style: chr2-179403574-A-G.
Other names: c.71795-8T>C (NM_003319.4); c.72371-8T>C (NM_133437.4); c.72170-8T>C (NM_133432.3); c.91286-8T>C (NM_133378.4); c.94067-8T>C (NM_001256850.1).
Identifiers: ClinVar variation 507844 (VCV000507844.8), dbSNP rs1553507751, ClinGen allele CA430239751.

ClinVar aggregate classification (germline): Conflicting classifications of pathogenicity. Review status: criteria provided, conflicting classifications (1 of 4 stars). 4 submissions from 4 submitters: Uncertain significance (1); Likely benign (3). Last evaluated 2025-04-29.

Conditions:
Autosomal recessive limb-girdle muscular dystrophy type 2J (LGMDR10). Also called: MUSCULAR DYSTROPHY, LIMB-GIRDLE, AUTOSOMAL RECESSIVE 10; Limb-girdle muscular dystrophy, type 2J. Identifiers: Orphanet 140922, MedGen C1837342, MONDO:0012127, OMIM 608807.
Dilated cardiomyopathy 1G (CMD1G). Identifiers: Orphanet 154, MedGen C1858763, MONDO:0011400, OMIM 604145.
Hypertrophic cardiomyopathy 9. Also called: Familial hypertrophic cardiomyopathy 9. Identifiers: MedGen C1861065, MONDO:0013412, OMIM 613765.
Tibial muscular dystrophy (TMD). Also called: Udd Distal Myopathy – Tibial Muscular Dystrophy; Tibial muscular dystrophy, tardive; UDD MYOPATHY. Identifiers: Orphanet 609, MedGen C1838244, MONDO:0010870, OMIM 600334.
Early-onset myopathy with fatal cardiomyopathy (CMYO5). Also called: Salih Myopathy; CONGENITAL MYOPATHY 5 WITH CARDIOMYOPATHY. Identifiers: Orphanet 289377, MedGen C2673677, MONDO:0012714, OMIM 611705. Disease mechanism: loss of function.
Myopathy, myofibrillar, 9, with early respiratory failure (MFM9). Also called: MYOPATHY, PROXIMAL, WITH EARLY RESPIRATORY MUSCLE INVOLVEMENT; Myopathy, distal, with early respiratory failure, autosomal dominant; Hereditary myopathy with early respiratory failure; EDSTROM MYOPATHY. Identifiers: Orphanet 178464, Orphanet 34521, MedGen C1863599, MONDO:0011362, OMIM 603689.

Allele frequency attached by ClinVar (database versions not stated): gnomAD exomes below 0.00001.
gnomAD v4.1: 1 of 1,592,526 alleles (0.000063%); highest among the groups gnomAD compares: Non-Finnish European, 0.000086%; no homozygotes.

Submissions (4):

Women's Health and Genetics/Laboratory Corporation of America, LabCorp
Classification: Likely benign. Last evaluated: 2025-04-29. Review status: criteria provided, single submitter. Criteria: LabCorp Variant Classification Summary - May 2015. Collection method: clinical testing. Allele origin: germline.

Fulgent Genetics
Classification: Uncertain significance for Tibial muscular dystrophy; Myopathy, myofibrillar, 9, with early respiratory failure; Dilated cardiomyopathy 1G; Autosomal recessive limb-girdle muscular dystrophy type 2J; Early-onset myopathy with fatal cardiomyopathy; Hypertrophic cardiomyopathy 9. Last evaluated: 2024-04-18. Review status: criteria provided, single submitter. Criteria: ACMG Guidelines, 2015. Collection method: clinical testing. Allele origin: germline.

Labcorp Genetics (formerly Invitae), Labcorp
Classification: Likely benign for Dilated cardiomyopathy 1G; Autosomal recessive limb-girdle muscular dystrophy type 2J. Last evaluated: 2024-03-14. Review status: criteria provided, single submitter. Criteria: Invitae Variant Classification Sherloc (09022015). Collection method: clinical testing. Allele origin: germline.

GeneDx
Classification: Likely benign. Last evaluated: 2017-03-02. Review status: criteria provided, single submitter. Criteria: GeneDx Variant Classification (06012015). Collection method: clinical testing. Allele origin: germline. Affected: yes.
Comment: This variant is considered likely benign or benign based on one or more of the following criteria: it is a conservative change, it occurs at a poorly conserved position in the protein, it is predicted to be benign by multiple in silico algorithms, and/or has population frequency not consistent with disease.